The following is an entry in ClinVar:

ClinVar aggregate classification (germline): Likely pathogenic (1 of 4 stars; one submission).

Conditions:
Primary ciliary dyskinesia. Also called: Ciliary dyskinesia. Identifiers: Orphanet 244, MedGen C0008780, MONDO:0016575, HP:0012265.

Submission:

Labcorp Genetics (formerly Invitae), Labcorp
Classification: Likely pathogenic for Primary ciliary dyskinesia. Last evaluated: 2020-06-27. Review status: criteria provided, single submitter. Criteria: Invitae Variant Classification Sherloc (09022015). Collection method: clinical testing. Allele origin: germline.
Comment: In summary, the currently available evidence indicates that the variant is pathogenic, but additional data are needed to prove that conclusively. Therefore, this variant has been classified as Likely Pathogenic. Loss-of-function variants in DNAH5 are known to be pathogenic (PMID: 11788826, 16627867). This variant has not been reported in the literature in individuals with DNAH5-related conditions. This variant results in a copy number gain of the genomic region encompassing exon(s) 56-69 of the DNAH5 gene. While the exact position of this variant cannot be determined from the data, sub-genic copy number gains are generally in tandem (PMID: 25640679). This variant is predicted to be out-of-frame, and may result in an absent or disrupted protein product.

Literature cited by the submitters: PubMed 11788826; PubMed 16627867; PubMed 25640679.

NC_000005.9:g.(?_13729538)_(13771099_?)dup

Gene: DNAH5 (dynein axonemal heavy chain 5; minus strand). Cytogenetic location: 5p15.2.
Variant type: Duplication.
Identifiers: ClinVar variation 1066942 (VCV001066942.13).